The following is an entry in ClinVar:

ClinVar aggregate classification (germline): Uncertain significance. Review status: criteria provided, multiple submitters, no conflicts (2 of 4 stars). 3 submissions from 3 submitters: Uncertain significance (3). Last evaluated 2024-05-15.

Conditions:
Familial thoracic aortic aneurysm and aortic dissection (TAAD). Also called: Thoracic aortic aneurysms and dissections. Identifiers: Orphanet 91387, MedGen C4707243, MONDO:0019625.
Aneurysm-osteoarthritis syndrome. Also called: ANEURYSMS-OSTEOARTHRITIS SYNDROME; SMAD3-Related Loeys-Dietz Syndrome; LOEYS-DIETZ SYNDROME WITH OSTEOARTHRITIS; Loeys-Dietz syndrome, type 1C. Identifiers: Orphanet 284984, MedGen C3151087, MONDO:0013426, OMIM 613795.

Allele frequency attached by ClinVar (database versions not stated): gnomAD exomes below 0.00001.
gnomAD v4.1: 2 of 1,614,140 alleles (0.00012%); highest among the groups gnomAD compares: Non-Finnish European, 0.00017%; no homozygotes.

Submissions (3):

GeneDx
Classification: Uncertain significance. Last evaluated: 2024-05-15. Review status: criteria provided, single submitter. Criteria: GeneDx Variant Classification Process June 2021. Collection method: clinical testing. Allele origin: germline. Affected: yes.
Comment: Not observed at significant frequency in large population cohorts (gnomAD); In silico analysis supports that this missense variant has a deleterious effect on protein structure/function; Has not been previously published as pathogenic or benign to our knowledge

All of Us Research Program, National Institutes of Health
Classification: Uncertain significance for Aneurysm-osteoarthritis syndrome. Last evaluated: 2024-03-14. Review status: criteria provided, single submitter. Criteria: ACMG Guidelines, 2015. Collection method: clinical testing. Allele origin: germline. Inheritance: Autosomal dominant inheritance. Observed: 2 variant alleles, 2 heterozygotes.
Comment: This missense variant replaces proline with serine at codon 177 of the SMAD3 protein. Computational prediction is inconclusive regarding the impact of this variant on protein structure and function (internally defined REVEL score threshold 0.5 < inconclusive < 0.7, PMID: 27666373). To our knowledge, functional studies have not been reported for this variant. This variant has not been reported in individuals affected with SMAD3-related disorders in the literature. This variant has been identified in 1/251280 chromosomes in the general population by the Genome Aggregation Database (gnomAD). The available evidence is insufficient to determine the role of this variant in disease conclusively. Therefore, this variant is classified as a Variant of Uncertain Significance.

This study involves interpretation of variants in research participants for the purpose of population health screening. Participant phenotype was not available at the time of variant classification. Additional details can be found in publication PMID: 35346344, PMCID: PMC8962531

Labcorp Genetics (formerly Invitae), Labcorp
Classification: Uncertain significance for Familial thoracic aortic aneurysm and aortic dissection. Last evaluated: 2023-11-15. Review status: criteria provided, single submitter. Criteria: Invitae Variant Classification Sherloc (09022015). Collection method: clinical testing. Allele origin: germline.
Comment: This sequence change replaces proline, which is neutral and non-polar, with serine, which is neutral and polar, at codon 177 of the SMAD3 protein (p.Pro177Ser). This variant is present in population databases (no rsID available, gnomAD 0.0009%). This variant has not been reported in the literature in individuals affected with SMAD3-related conditions. Advanced modeling of protein sequence and biophysical properties (such as structural, functional, and spatial information, amino acid conservation, physicochemical variation, residue mobility, and thermodynamic stability) performed at Invitae indicates that this missense variant is not expected to disrupt SMAD3 protein function with a negative predictive value of 80%. In summary, the available evidence is currently insufficient to determine the role of this variant in disease. Therefore, it has been classified as a Variant of Uncertain Significance.

NM_005902.4(SMAD3):c.529C>T (p.Pro177Ser)

Gene: SMAD3 (SMAD family member 3; plus strand). Cytogenetic location: 15q22.33.
Variant type: single nucleotide variant.
Coding change: c.529C>T on transcript NM_005902.4 (MANE Select); coding-DNA position 529, C replaced by T.
Protein change: p.Pro177Ser; replaces proline 177 with serine.
Molecular consequence: missense variant. On other transcripts: intron variant (2).
Genome position (GRCh38, 1-based): chr15:67,165,381, C>T. VCF-style: chr15-67165381-C-T. GRCh37 (hg19) VCF-style: chr15-67457719-C-T.
Other names: c.214C>T, p.Pro72Ser (NM_001145102.2, NM_001407016.1); c.397C>T, p.Pro133Ser (NM_001145103.2); c.529C>T, p.Pro177Ser (NM_001407011.1, NM_001407013.1); c.382C>T, p.Pro128Ser (NM_001407014.1); c.400+293C>T (NM_001407012.1); c.85+293C>T (NM_001407015.1); c.529C>T (NM_005902.3); short protein forms P133S, P177S, P72S, P128S.
Identifiers: ClinVar variation 2958183 (VCV002958183.6), dbSNP rs1454715858, ClinGen allele CA392954508.